The following is an entry in ClinVar:

NM_001363118.2(SLC52A2):c.1202G>T (p.Gly401Val)

Gene: SLC52A2 (solute carrier family 52 member 2; plus strand). Cytogenetic location: 8q24.3.
Variant type: single nucleotide variant.
Coding change: c.1202G>T on transcript NM_001363118.2 (MANE Select); coding-DNA position 1202, G replaced by T.
Protein change: p.Gly401Val; replaces glycine 401 with valine.
Molecular consequence: missense variant. On other transcripts: non-coding transcript variant (1).
Genome position (GRCh38, 1-based): chr8:144,360,879, G>T. VCF-style: chr8-144360879-G-T. GRCh37 (hg19) VCF-style: chr8-145584539-G-T.
Other names: c.1202G>T, p.Gly401Val (NM_001253815.2, NM_001253816.2, NM_001363120.2 and 2 more transcripts); c.710G>T, p.Gly237Val (NM_001363122.2); c.938G>T, p.Gly313Val (NM_001410949.1); short protein forms G237V, G313V, G401V.
Identifiers: ClinVar variation 3764109 (VCV003764109.1).

ClinVar aggregate classification (germline): Uncertain significance (1 of 4 stars; one submission).

gnomAD v4.1: 1 of 1,612,894 alleles (0.000062%); highest among the groups gnomAD compares: Non-Finnish European, 0.000085%; no homozygotes.

Submission:

GeneDx
Classification: Uncertain significance. Last evaluated: 2024-08-21. Review status: criteria provided, single submitter. Criteria: GeneDx Variant Classification Process June 2021. Collection method: clinical testing. Allele origin: germline. Affected: yes.
Comment: Not observed at significant frequency in large population cohorts (gnomAD); In silico analysis supports that this missense variant has a deleterious effect on protein structure/function; Has not been previously published as pathogenic or benign to our knowledge